The following is an entry in ClinVar:

NM_001257.5(CDH13):c.877A>C (p.Lys293Gln)

Gene: CDH13 (cadherin 13; plus strand). Cytogenetic location: 16q23.3.
Variant type: single nucleotide variant.
Coding change: c.877A>C on transcript NM_001257.5 (MANE Select); coding-DNA position 877, A replaced by C.
Protein change: p.Lys293Gln; replaces lysine 293 with glutamine.
Molecular consequence: missense variant.
Genome position (GRCh38, 1-based): chr16:83,486,572, A>C. VCF-style: chr16-83486572-A-C. GRCh37 (hg19) VCF-style: chr16-83520177-A-C.
Other names: c.1018A>C, p.Lys340Gln (NM_001220488.2); c.760A>C, p.Lys254Gln (NM_001220489.2); c.115A>C, p.Lys39Gln (NM_001220490.2); short protein forms K254Q, K293Q, K340Q, K39Q.
Identifiers: ClinVar variation 3350179 (VCV003350179.2).

ClinVar aggregate classification (germline): Uncertain significance (1 of 4 stars; one submission).

Conditions:
CDH13-related disorder. Also called: CDH13-related condition.

Submission:

PreventionGenetics, part of Exact Sciences
Classification: Uncertain significance for CDH13-related condition. Last evaluated: 2026-08-06. Review status: criteria provided, single submitter. Criteria: ACMG Guidelines, 2015. Collection method: clinical testing. Allele origin: germline.
Comment: The CDH13 c.1018A>C variant is predicted to result in the amino acid substitution p.Lys340Gln. To our knowledge, this variant has not been reported in the literature or in a large population database (gnomAD), indicating this variant is rare. At this time, the clinical significance of this variant is uncertain due to the absence of conclusive functional and genetic evidence.